The following is an entry in ClinVar:

ClinVar aggregate classification (germline): Uncertain significance (1 of 4 stars; one submission).

Allele frequency attached by ClinVar (database versions not stated): ExAC 0.00001; gnomAD exomes 0.00001.

Submission:

Labcorp Genetics (formerly Invitae), Labcorp
Classification: Uncertain significance. Last evaluated: 2022-08-20. Review status: criteria provided, single submitter. Criteria: Invitae Variant Classification Sherloc (09022015). Collection method: clinical testing. Allele origin: germline.
Comment: This sequence change replaces methionine, which is neutral and non-polar, with lysine, which is basic and polar, at codon 1278 of the PIK3C2A protein (p.Met1278Lys). This variant is present in population databases (rs769925864, gnomAD 0.009%). This variant has not been reported in the literature in individuals affected with PIK3C2A-related conditions. Algorithms developed to predict the effect of missense changes on protein structure and function are either unavailable or do not agree on the potential impact of this missense change (SIFT: "Not Available"; PolyPhen-2: "Possibly Damaging"; Align-GVGD: "Not Available"). In summary, the available evidence is currently insufficient to determine the role of this variant in disease. Therefore, it has been classified as a Variant of Uncertain Significance.

NM_002645.4(PIK3C2A):c.3833T>A (p.Met1278Lys)

Gene: PIK3C2A (phosphatidylinositol-4-phosphate 3-kinase catalytic subunit type 2 alpha; minus strand). Cytogenetic location: 11p15.1.
Variant type: single nucleotide variant.
Coding change: c.3833T>A on transcript NM_002645.4 (MANE Select); coding-DNA position 3833, T replaced by A.
Protein change: p.Met1278Lys; replaces methionine 1278 with lysine.
Molecular consequence: missense variant.
Genome position (GRCh38, 1-based): chr11:17,102,680, A>T on the plus strand (T>A on the coding strand, the complement: PIK3C2A is on the minus strand). VCF-style: chr11-17102680-A-T. GRCh37 (hg19) VCF-style: chr11-17124227-A-T.
Other names: c.3833T>A, p.Met1278Lys (NM_001321378.2); c.2693T>A, p.Met898Lys (NM_001321380.2); c.3665T>A, p.Met1222Lys (NM_001386870.1); short protein forms M898K, M1222K, M1278K.
Identifiers: ClinVar variation 1923110 (VCV001923110.2), dbSNP rs769925864, ClinGen allele CA5900677.
Genomic context (GRCh38, chr11:17,102,680, plus strand): 5'-AGGAAGTGCCTCATTTCTTTGGCAACAGCAATAACATTATACCTTTTGAAGCTGCCAAAC[A>T]TCTGTGCATGTCCCAAAAACTTTCCAAAGTCAATGTGAAACATGTGTCCCGTGCTTCGAA-3'
Protein context (NP_002636.2, residues 1268-1288): DFGKFLGHAQ[Met1278Lys]FGSFKRDRAP